The following is an entry in ClinVar:

NM_017946.4(FKBP14):c.495G>A (p.Lys165=)

Genes: FKBP14 (FKBP prolyl isomerase 14; minus strand), FKBP14-AS1 (FKBP14 antisense RNA 1; plus strand). Cytogenetic location: 7p14.3.
Variant type: single nucleotide variant.
Coding change: c.495G>A on transcript NM_017946.4 (MANE Select); coding-DNA position 495, G replaced by A.
Protein change: p.Lys165=; no amino-acid change (lysine 165 retained).
Molecular consequence: synonymous variant. On other transcripts: non-coding transcript variant (2).
Genome position (GRCh38, 1-based): chr7:30,014,876, C>T on the plus strand (G>A on the coding strand, the complement: FKBP14 is on the minus strand). VCF-style: chr7-30014876-C-T. GRCh37 (hg19) VCF-style: chr7-30054492-C-T.
Identifiers: ClinVar variation 473003 (VCV000473003.19), dbSNP rs142474407, ClinGen allele CA4203389.
Genomic context (GRCh38, chr7:30,014,876, plus strand): 5'-CTCCACCAAAGCATCATGATGACTTTCATTCACCACCGCACCATGTTTTTCAAACTCCTT[C>T]TTTAAATATGCTTTAACCTACAAAATAACAGATCCCATTAATAACTTGGATTCATAAGAT-3'
Protein context (NP_060416.1, residues 155-175): LSKDEVKAYL[Lys165=]KEFEKHGAVV

ClinVar aggregate classification (germline): Benign/Likely benign. Review status: criteria provided, multiple submitters, no conflicts (2 of 4 stars). 6 submissions from 6 submitters: Benign (3); Likely benign (3). Last evaluated 2026-01-27.

Conditions:
FKBP14-related disorder. Also called: FKBP14-related condition.
Cardiovascular phenotype. Identifiers: MedGen CN230736.
Ehlers-Danlos syndrome, kyphoscoliotic type, 2. Also called: FKBP14-Kyphoscoliotic Ehlers-Danlos Syndrome; Ehlers-Danlos syndrome, kyphoscoliotic and deafness type; Ehlers-Danlos syndrome with progressive kyphoscoliosis, myopathy, and hearing loss. Identifiers: Orphanet 300179, MedGen C3281160, MONDO:0013800, OMIM 614557.

Allele frequency attached by ClinVar (database versions not stated): gnomAD exomes 0.00019 and 0.00061; ExAC 0.00076; 1000 Genomes Project 30x 0.00187; 1000 Genomes Project 0.00200; TOPMed 0.00201; gnomAD 0.00211; ESP Exome Variant Server 0.00308.
gnomAD v4.1: 586 of 1,591,514 alleles (0.037%); highest among the groups gnomAD compares: African/African-American, 0.7%; no homozygotes.

Submissions (6):

Labcorp Genetics (formerly Invitae), Labcorp
Classification: Benign for Ehlers-Danlos syndrome, kyphoscoliotic type, 2. Last evaluated: 2026-01-27. Review status: criteria provided, single submitter. Criteria: Invitae Variant Classification Sherloc (09022015). Collection method: clinical testing. Allele origin: germline.

PreventionGenetics, part of Exact Sciences
Classification: Benign for FKBP14-related condition. Last evaluated: 2025-11-19. Review status: criteria provided, single submitter. Criteria: ACMG Guidelines, 2015. Collection method: clinical testing. Allele origin: germline.
Comment: This variant is classified as benign based on ACMG/AMP sequence variant interpretation guidelines (Richards et al. 2015 PMID: 25741868, with internal and published modifications).

Ambry Genetics
Classification: Likely benign for Cardiovascular phenotype. Last evaluated: 2019-03-12. Review status: criteria provided, single submitter. Criteria: Ambry Variant Classification Scheme 2023. Collection method: clinical testing. Allele origin: germline.

GeneDx
Classification: Likely benign. Last evaluated: 2017-09-28. Review status: criteria provided, single submitter. Criteria: GeneDx Variant Classification (06012015). Collection method: clinical testing. Allele origin: germline. Affected: yes.
Comment: This variant is considered likely benign or benign based on one or more of the following criteria: it is a conservative change, it occurs at a poorly conserved position in the protein, it is predicted to be benign by multiple in silico algorithms, and/or has population frequency not consistent with disease.

Eurofins Ntd Llc (ga)
Classification: Benign. Last evaluated: 2017-01-05. Review status: criteria provided, single submitter. Criteria: EGL Classification Definitions 2015. Collection method: clinical testing. Allele origin: germline. Observed: 1 variant allele, 1 heterozygote.

Breakthrough Genomics
Classification: Likely benign. Review status: criteria provided, single submitter. Criteria: ACMG Guidelines, 2015. Collection method: not provided. Allele origin: germline. Inheritance: Autosomal recessive inheritance. Affected: yes.